The following is an entry in ClinVar:

ClinVar aggregate classification (germline): Uncertain significance (1 of 4 stars; one submission).

Conditions:
Developmental and epileptic encephalopathy, 25 (DEE25). Also called: Developmental and epileptic encephalopathy 25, with amelogenesis imperfecta; Epileptic encephalopathy, early infantile, 25, with amelogenesis imperfecta; Epileptic encephalopathy, early infantile, 25. Identifiers: Orphanet 442835, MedGen C4014621, MONDO:0014392, OMIM 615905.

Allele frequency attached by ClinVar (database versions not stated): gnomAD 0.00001; TOPMed 0.00002.

Submission:

Labcorp Genetics (formerly Invitae), Labcorp
Classification: Uncertain significance for Developmental and epileptic encephalopathy, 25. Last evaluated: 2022-08-22. Review status: criteria provided, single submitter. Criteria: Invitae Variant Classification Sherloc (09022015). Collection method: clinical testing. Allele origin: germline.
Comment: This sequence change falls in intron 11 of the SLC13A5 gene. It does not directly change the encoded amino acid sequence of the SLC13A5 protein. It affects a nucleotide within the consensus splice site. In summary, the available evidence is currently insufficient to determine the role of this variant in disease. Therefore, it has been classified as a Variant of Uncertain Significance. Variants that disrupt the consensus splice site are a relatively common cause of aberrant splicing (PMID: 17576681, 9536098). Algorithms developed to predict the effect of sequence changes on RNA splicing suggest that this variant may disrupt the consensus splice site. This variant has not been reported in the literature in individuals affected with SLC13A5-related conditions. The frequency data for this variant in the population databases is considered unreliable, as metrics indicate poor data quality at this position in the gnomAD database.

Literature cited by the submitters: PubMed 17576681; PubMed 9536098.

NM_177550.5(SLC13A5):c.1575+4A>T

Gene: SLC13A5 (solute carrier family 13 member 5; minus strand). Cytogenetic location: 17p13.1.
Variant type: single nucleotide variant.
Coding change: c.1575+4A>T on transcript NM_177550.5 (MANE Select); 4 bases into the intron after coding-DNA position 1575, A replaced by T.
Molecular consequence: intron variant.
Genome position (GRCh38, 1-based): chr17:6,687,525, T>A on the plus strand (A>T on the coding strand, the complement: SLC13A5 is on the minus strand). VCF-style: chr17-6687525-T-A. GRCh37 (hg19) VCF-style: chr17-6590844-T-A.
Other names: c.1446+4A>T (NM_001284510.2); c.1524+4A>T (NM_001284509.2); c.1438-1187A>T (NM_001143838.3).
Identifiers: ClinVar variation 1918979 (VCV001918979.3), dbSNP rs1378934738, ClinGen allele CA624673567.